The following is an entry in ClinVar:

ClinVar aggregate classification (germline): Uncertain significance (1 of 4 stars; one submission).

Submission:

GeneDx
Classification: Uncertain significance. Last evaluated: 2024-04-29. Review status: criteria provided, single submitter. Criteria: GeneDx Variant Classification Process June 2021. Collection method: clinical testing. Allele origin: germline. Affected: yes.
Comment: Nonsense variant predicted to result in protein truncation or nonsense mediated decay in a gene for which loss-of-function is not a known mechanism of disease; Not observed at significant frequency in large population cohorts (gnomAD); Has not been previously published as pathogenic or benign to our knowledge

NM_021072.4(HCN1):c.1660C>T (p.Arg554Ter)

Gene: HCN1 (hyperpolarization activated cyclic nucleotide gated potassium channel 1; minus strand). Cytogenetic location: 5p12.
Variant type: single nucleotide variant.
Coding change: c.1660C>T on transcript NM_021072.4 (MANE Select); coding-DNA position 1660, C replaced by T.
Protein change: p.Arg554Ter; replaces arginine 554 with a stop codon.
Molecular consequence: nonsense.
Genome position (GRCh38, 1-based): chr5:45,267,212, G>A on the plus strand (C>T on the coding strand, the complement: HCN1 is on the minus strand). VCF-style: chr5-45267212-G-A. GRCh37 (hg19) VCF-style: chr5-45267314-G-A.
Other names: short protein forms R554*.
Identifiers: ClinVar variation 1312411 (VCV001312411.4), dbSNP rs2111846846, ClinGen allele CA359705932.